The following is an entry in ClinVar:

NM_001868.4(CPA1):c.726C>T (p.His242=)

Gene: CPA1 (carboxypeptidase A1; plus strand). Cytogenetic location: 7q32.2.
Variant type: single nucleotide variant.
Coding change: c.726C>T on transcript NM_001868.4 (MANE Select); coding-DNA position 726, C replaced by T.
Protein change: p.His242=; no amino-acid change (histidine 242 retained).
Molecular consequence: synonymous variant.
Genome position (GRCh38, 1-based): chr7:130,384,565, C>T. VCF-style: chr7-130384565-C-T. GRCh37 (hg19) VCF-style: chr7-130024406-C-T.
Identifiers: ClinVar variation 735434 (VCV000735434.13), dbSNP rs782178812, ClinGen allele CA4484923.

ClinVar aggregate classification (germline): Likely benign. Review status: criteria provided, multiple submitters, no conflicts (2 of 4 stars). 3 submissions from 3 submitters: Likely benign (3). Last evaluated 2025-08-08.

Conditions:
CPA1-related disorder. Also called: CPA1-related condition.
Hereditary pancreatitis (PCTT). Also called: Hereditary chronic pancreatitis; PRSS1-Related Hereditary Pancreatitis. Identifiers: Orphanet 676, MedGen C0238339, MONDO:0008185, OMIM 167800.

Allele frequency attached by ClinVar (database versions not stated): gnomAD exomes 0.00002 and 0.00011; gnomAD 0.00003 and 0.00004; TOPMed 0.00007; ExAC 0.00012.
gnomAD v4.1: 39 of 1,614,120 alleles (0.0024%); highest among the groups gnomAD compares: Admixed American, 0.065%; no homozygotes.

Submissions (3):

PreventionGenetics, part of Exact Sciences
Classification: Likely benign for CPA1-related condition. Last evaluated: 2025-08-08. Review status: criteria provided, single submitter. Criteria: ACMG Guidelines, 2015. Collection method: clinical testing. Allele origin: germline.
Comment: This variant is classified as likely benign based on ACMG/AMP sequence variant interpretation guidelines (Richards et al. 2015 PMID: 25741868, with internal and published modifications).

Labcorp Genetics (formerly Invitae), Labcorp
Classification: Likely benign. Last evaluated: 2023-12-13. Review status: criteria provided, single submitter. Criteria: Invitae Variant Classification Sherloc (09022015). Collection method: clinical testing. Allele origin: germline.

Ambry Genetics
Classification: Likely benign for Hereditary pancreatitis. Last evaluated: 2019-10-28. Review status: criteria provided, single submitter. Criteria: Ambry Variant Classification Scheme 2023. Collection method: clinical testing. Allele origin: germline.